The following is an entry in ClinVar:

ClinVar aggregate classification (germline): Uncertain significance (1 of 4 stars; one submission).

gnomAD v4.1: 1 of 1,614,178 alleles (0.000062%); highest among the groups gnomAD compares: Non-Finnish European, 0.000085%; no homozygotes.

Submission:

Labcorp Genetics (formerly Invitae), Labcorp
Classification: Uncertain significance. Last evaluated: 2025-07-23. Review status: criteria provided, single submitter. Criteria: Invitae Variant Classification Sherloc (09022015). Collection method: clinical testing. Allele origin: germline.
Comment: This sequence change falls in intron 8 of the TNFRSF11A gene. It does not directly change the encoded amino acid sequence of the TNFRSF11A protein. It affects a nucleotide within the consensus splice site. This variant is not present in population databases (gnomAD no frequency). This variant has not been reported in the literature in individuals affected with TNFRSF11A-related conditions. Variants that disrupt the consensus splice site are a relatively common cause of aberrant splicing (PMID: 17576681, 9536098). Algorithms developed to predict the effect of sequence changes on RNA splicing suggest that this variant is not likely to affect RNA splicing. In summary, the available evidence is currently insufficient to determine the role of this variant in disease. Therefore, it has been classified as a Variant of Uncertain Significance.

Literature cited by the submitters: PubMed 17576681; PubMed 9536098.

NM_003839.4(TNFRSF11A):c.783+5A>G

Gene: TNFRSF11A (TNF receptor superfamily member 11a; plus strand). Cytogenetic location: 18q21.33.
Variant type: single nucleotide variant.
Coding change: c.783+5A>G on transcript NM_003839.4 (MANE Select); 5 bases into the intron after coding-DNA position 783, A replaced by G.
Molecular consequence: intron variant.
Genome position (GRCh38, 1-based): chr18:62,366,765, A>G. VCF-style: chr18-62366765-A-G. GRCh37 (hg19) VCF-style: chr18-60033998-A-G.
Other names: c.783+5A>G (NM_001270949.2); c.730+4972A>G (NM_001270950.2); c.616+6716A>G (NM_001270951.2); c.741+5A>G (NM_001278268.2).
Identifiers: ClinVar variation 4797304 (VCV004797304.1).